The following is an entry in ClinVar:

NM_001267550.2(TTN):c.4076A>G (p.Glu1359Gly)

Genes: TTN (titin; minus strand), LOC101927055 (uncharacterized LOC101927055; plus strand). Cytogenetic location: 2q31.2.
Variant type: single nucleotide variant.
Coding change: c.4076A>G on transcript NM_001267550.2 (MANE Select); coding-DNA position 4076, A replaced by G.
Protein change: p.Glu1359Gly; replaces glutamic acid 1359 with glycine.
Molecular consequence: missense variant.
Genome position (GRCh38, 1-based): chr2:178,779,006, T>C on the plus strand (A>G on the coding strand, the complement: TTN is on the minus strand). VCF-style: chr2-178779006-T-C. GRCh37 (hg19) VCF-style: chr2-179643733-T-C.
Other names: p.E1359G:GAA>GGA; c.4076A>G, p.Glu1359Gly (NM_001256850.1, NM_133378.4, NM_133379.5); c.3938A>G, p.Glu1313Gly (NM_003319.4, NM_133432.3, NM_133437.4); short protein forms E1359G, E1313G.
Identifiers: ClinVar variation 192086 (VCV000192086.11), dbSNP rs370978752, ClinGen allele CA302567.

ClinVar aggregate classification (germline): Conflicting classifications of pathogenicity. Review status: criteria provided, conflicting classifications (1 of 4 stars). 12 submissions from 8 submitters: Uncertain significance (7); Benign (2); Likely benign (3). Last evaluated 2026-01-20.

Conditions:
TTN-related disorder. Also called: TTN-related condition; TTN-related disease; TTN-related disorders.
Dilated cardiomyopathy 1G (CMD1G). Identifiers: Orphanet 154, MedGen C1858763, MONDO:0011400, OMIM 604145.
Autosomal recessive limb-girdle muscular dystrophy type 2J (LGMDR10). Also called: Limb-girdle muscular dystrophy, type 2J; MUSCULAR DYSTROPHY, LIMB-GIRDLE, AUTOSOMAL RECESSIVE 10. Identifiers: Orphanet 140922, MedGen C1837342, MONDO:0012127, OMIM 608807.
Cardiomyopathy (CMYO). Also called: Cardiomyopathies. Identifiers: Orphanet 167848, MedGen C0878544, MONDO:0004994, HP:0001638. Inheritance: Various modes of inheritance.
Myopathy, myofibrillar, 9, with early respiratory failure (MFM9). Also called: Hereditary myopathy with early respiratory failure; EDSTROM MYOPATHY; MYOPATHY, PROXIMAL, WITH EARLY RESPIRATORY MUSCLE INVOLVEMENT; Myopathy, distal, with early respiratory failure, autosomal dominant. Identifiers: Orphanet 178464, Orphanet 34521, MedGen C1863599, MONDO:0011362, OMIM 603689.
Early-onset myopathy with fatal cardiomyopathy (CMYO5). Also called: CONGENITAL MYOPATHY 5 WITH CARDIOMYOPATHY; Salih Myopathy. Identifiers: Orphanet 289377, MedGen C2673677, MONDO:0012714, OMIM 611705. Disease mechanism: loss of function.
Tibial muscular dystrophy (TMD). Also called: Udd Distal Myopathy – Tibial Muscular Dystrophy; UDD MYOPATHY; Tibial muscular dystrophy, tardive. Identifiers: Orphanet 609, MedGen C1838244, MONDO:0010870, OMIM 600334.

Allele frequency attached by ClinVar (database versions not stated): gnomAD 0.00001; TOPMed 0.00001; gnomAD exomes 0.00005 and 0.00006.
gnomAD v4.1: 68 of 1,613,252 alleles (0.0042%); highest among the groups gnomAD compares: Middle Eastern, 0.049%; no homozygotes.

Submissions (12):

PreventionGenetics, part of Exact Sciences
Classification: Uncertain significance for TTN-related condition. Last evaluated: 2026-01-20. Review status: criteria provided, single submitter. Criteria: ACMG Guidelines, 2015. Collection method: clinical testing. Allele origin: germline.
Comment: The TTN c.4076A>G variant is predicted to result in the amino acid substitution p.Glu1359Gly. This variant has been reported in a cohort study of individuals who underwent exome sequencing not selected for cardiovascular disease; however, no case‑level clinical information was provided (described as NM_133378.4 c.4076A>G p.Glu1359Gly, Supplemental table 3, Ng et al. 2013. PubMed ID: 23861362). This variant is reported in 0.011% of alleles in individuals of European (Non-Finnish) descent in gnomAD. At this time, the clinical significance of this variant is uncertain due to the absence of conclusive functional and genetic evidence.

Blueprint Genetics
Classification: Likely benign. Last evaluated: 2024-11-19. Review status: criteria provided, single submitter. Criteria: ACMG Guidelines, 2015. Collection method: clinical testing. Allele origin: germline.

Women's Health and Genetics/Laboratory Corporation of America, LabCorp
Classification: Uncertain significance. Last evaluated: 2022-10-09. Review status: criteria provided, single submitter. Criteria: LabCorp Variant Classification Summary - May 2015. Collection method: clinical testing. Allele origin: germline.

CHEO Genetics Diagnostic Laboratory, Children's Hospital of Eastern Ontario
Classification: Likely benign for Cardiomyopathy. Last evaluated: 2022-08-03. Review status: criteria provided, single submitter. Criteria: ACMG Guidelines, 2015. Collection method: clinical testing. Allele origin: germline.

Illumina Laboratory Services, Illumina
Classification: Benign for Tibial muscular dystrophy. Last evaluated: 2018-01-13. Review status: criteria provided, single submitter. Criteria: ICSL Variant Classification Criteria 13 December 2019. Collection method: clinical testing. Allele origin: germline.
Comment: This variant was observed in the ICSL laboratory as part of a predisposition screen in an ostensibly healthy population. It had not been previously curated by ICSL or reported in the Human Gene Mutation Database (HGMD: prior to June 1st, 2018), and was therefore a candidate for classification through an automated scoring system. Utilizing variant allele frequency, disease prevalence and penetrance estimates, and inheritance mode, an automated score was calculated to assess if this variant is too frequent to cause the disease. Based on the score and internal cut-off values, a variant classified as benign is not then subjected to further curation. The score for this variant resulted in a classification of benign for this disease.

Illumina Laboratory Services, Illumina
Classification: Uncertain significance for Dilated cardiomyopathy 1G. Last evaluated: 2018-01-13. Review status: criteria provided, single submitter. Criteria: ICSL Variant Classification Criteria 13 December 2019. Collection method: clinical testing. Allele origin: germline.

Illumina Laboratory Services, Illumina
Classification: Uncertain significance for Early-onset myopathy with fatal cardiomyopathy. Last evaluated: 2018-01-13. Review status: criteria provided, single submitter. Criteria: ICSL Variant Classification Criteria 13 December 2019. Collection method: clinical testing. Allele origin: germline.

Illumina Laboratory Services, Illumina
Classification: Uncertain significance for Autosomal recessive limb-girdle muscular dystrophy type 2J. Last evaluated: 2018-01-13. Review status: criteria provided, single submitter. Criteria: ICSL Variant Classification Criteria 13 December 2019. Collection method: clinical testing. Allele origin: germline.

Illumina Laboratory Services, Illumina
Classification: Benign for Myopathy, myofibrillar, 9, with early respiratory failure. Last evaluated: 2018-01-13. Review status: criteria provided, single submitter. Criteria: ICSL Variant Classification Criteria 13 December 2019. Collection method: clinical testing. Allele origin: germline.
Comment: the same text as in the submission from Illumina Laboratory Services, Illumina above.

Labcorp Genetics (formerly Invitae), Labcorp
Classification: Uncertain significance for Dilated cardiomyopathy 1G; Autosomal recessive limb-girdle muscular dystrophy type 2J. Last evaluated: 2017-07-20. Review status: criteria provided, single submitter. Criteria: Invitae Variant Classification Sherloc (09022015). Collection method: clinical testing. Allele origin: germline.

GeneDx
Classification: Likely benign. Last evaluated: 2017-07-06. Review status: criteria provided, single submitter. Criteria: GeneDx Variant Classification (06012015). Collection method: clinical testing. Allele origin: germline. Affected: yes.
Comment: This variant is considered likely benign or benign based on one or more of the following criteria: it is a conservative change, it occurs at a poorly conserved position in the protein, it is predicted to be benign by multiple in silico algorithms, and/or has population frequency not consistent with disease.

Biesecker Lab/Clinical Genomics Section, National Institutes of Health
Classification: Uncertain significance. Last evaluated: 2013-06-24. Review status: criteria provided, single submitter. Criteria: Ng et al. (Circ Cardiovasc Genet. 2013). Collection method: research. Allele origin: unknown. Observed: 1 variant allele. Study: ClinSeq.
Comment: The study set was not selected for affection status in relation to any cancer. Pathogenicity categories were based on literature curation. See Pubmed ID:23861362 for details.

Medical sequencing